The following is an entry in ClinVar:

NM_000238.4(KCNH2):c.476G>A (p.Arg159His)

Gene: KCNH2 (potassium voltage-gated channel subfamily H member 2; minus strand). Cytogenetic location: 7q36.1.
Variant type: single nucleotide variant.
Coding change: c.476G>A on transcript NM_000238.4 (MANE Select); coding-DNA position 476, G replaced by A.
Protein change: p.Arg159His; replaces arginine 159 with histidine.
Molecular consequence: missense variant.
Genome position (GRCh38, 1-based): chr7:150,958,499, C>T on the plus strand (G>A on the coding strand, the complement: KCNH2 is on the minus strand). VCF-style: chr7-150958499-C-T. GRCh37 (hg19) VCF-style: chr7-150655587-C-T.
Other names: c.188G>A, p.Arg63His (NM_001406753.1, NM_001406756.1); c.299G>A, p.Arg100His (NM_001406755.1); c.176G>A, p.Arg59His (NM_001406757.1); c.476G>A, p.Arg159His (NM_172056.3); short protein forms R159H, R100H, R59H, R63H.
Identifiers: ClinVar variation 1425969 (VCV001425969.7), dbSNP rs1016201425, ClinGen allele CA169081530.

ClinVar aggregate classification (germline): Uncertain significance. Review status: criteria provided, multiple submitters, no conflicts (2 of 4 stars). 2 submissions from 2 submitters: Uncertain significance (2). Last evaluated 2023-07-13.

Conditions:
Cardiovascular phenotype. Identifiers: MedGen CN230736.
Long QT syndrome (LQTS). Identifiers: MedGen C0023976, MeSH D008133, MONDO:0002442. Disease mechanism: loss of function. Inheritance: Various modes of inheritance.

Allele frequency attached by ClinVar (database versions not stated): gnomAD 0.00001.

Submissions (2):

Ambry Genetics
Classification: Uncertain significance for Cardiovascular phenotype. Last evaluated: 2023-07-13. Review status: criteria provided, single submitter. Criteria: Ambry Variant Classification Scheme 2023. Collection method: clinical testing. Allele origin: germline.
Comment: The p.R159H variant (also known as c.476G>A), located in coding exon 4 of the KCNH2 gene, results from a G to A substitution at nucleotide position 476. The arginine at codon 159 is replaced by histidine, an amino acid with highly similar properties. This amino acid position is well conserved in available vertebrate species. In addition, the in silico prediction for this alteration is inconclusive. Since supporting evidence is limited at this time, the clinical significance of this alteration remains unclear.

Labcorp Genetics (formerly Invitae), Labcorp
Classification: Uncertain significance for Long QT syndrome. Last evaluated: 2021-09-01. Review status: criteria provided, single submitter. Criteria: Invitae Variant Classification Sherloc (09022015). Collection method: clinical testing. Allele origin: germline.
Comment: This sequence change replaces arginine with histidine at codon 159 of the KCNH2 protein (p.Arg159His). The arginine residue is moderately conserved and there is a small physicochemical difference between arginine and histidine. The frequency data for this variant in the population databases is considered unreliable, as metrics indicate insufficient coverage at this position in the ExAC database. This variant has not been reported in the literature in individuals affected with KCNH2-related conditions. Algorithms developed to predict the effect of missense changes on protein structure and function are either unavailable or do not agree on the potential impact of this missense change (SIFT: "Tolerated"; PolyPhen-2: "Possibly Damaging"; Align-GVGD: "Class C0"). In summary, the available evidence is currently insufficient to determine the role of this variant in disease. Therefore, it has been classified as a Variant of Uncertain Significance.